The following is an entry in ClinVar:

NM_015909.4(NBAS):c.825A>C (p.Arg275Ser)

Gene: NBAS (NBAS subunit of NRZ tethering complex; minus strand). Cytogenetic location: 2p24.3.
Variant type: single nucleotide variant.
Coding change: c.825A>C on transcript NM_015909.4 (MANE Select); coding-DNA position 825, A replaced by C.
Protein change: p.Arg275Ser; replaces arginine 275 with serine.
Molecular consequence: missense variant. On other transcripts: non-coding transcript variant (1).
Genome position (GRCh38, 1-based): chr2:15,511,272, T>G on the plus strand (A>C on the coding strand, the complement: NBAS is on the minus strand). VCF-style: chr2-15511272-T-G. GRCh37 (hg19) VCF-style: chr2-15651396-T-G.
Other names: c.825A>C (NM_015909.2); short protein forms R275S.
Identifiers: ClinVar variation 1359282 (VCV001359282.5), dbSNP rs529297736, ClinGen allele CA1536903.

ClinVar aggregate classification (germline): Uncertain significance. Review status: criteria provided, multiple submitters, no conflicts (2 of 4 stars). 2 submissions from 2 submitters: Uncertain significance (2). Last evaluated 2025-04-08.

Conditions:
Inborn genetic diseases. Identifiers: MedGen C0950123, MeSH D030342.

Allele frequency attached by ClinVar (database versions not stated): gnomAD 0.00001; ExAC 0.00002; TOPMed 0.00002.
gnomAD v4.1: 32 of 1,613,804 alleles (0.002%); highest among the groups gnomAD compares: Non-Finnish European, 0.0027%; no homozygotes.

Submissions (2):

Ambry Genetics
Classification: Uncertain significance for Inborn genetic diseases. Last evaluated: 2025-04-08. Review status: criteria provided, single submitter. Criteria: Ambry Variant Classification Scheme 2023. Collection method: clinical testing. Allele origin: germline.

Labcorp Genetics (formerly Invitae), Labcorp
Classification: Uncertain significance. Last evaluated: 2021-09-21. Review status: criteria provided, single submitter. Criteria: Invitae Variant Classification Sherloc (09022015). Collection method: clinical testing. Allele origin: germline.
Comment: This sequence change replaces arginine with serine at codon 275 of the NBAS protein (p.Arg275Ser). The arginine residue is highly conserved and there is a moderate physicochemical difference between arginine and serine. This variant is present in population databases (rs529297736, ExAC 0.003%). This variant has not been reported in the literature in individuals affected with NBAS-related conditions. Algorithms developed to predict the effect of missense changes on protein structure and function (SIFT, PolyPhen-2, Align-GVGD) all suggest that this variant is likely to be disruptive. In summary, the available evidence is currently insufficient to determine the role of this variant in disease. Therefore, it has been classified as a Variant of Uncertain Significance.